The following is an entry in ClinVar:

ClinVar aggregate classification (germline): Uncertain significance (1 of 4 stars; one submission).

Submission:

CeGaT Center for Human Genetics Tuebingen
Classification: Uncertain significance. Last evaluated: 2024-02-01. Review status: criteria provided, single submitter. Criteria: CeGaT Center For Human Genetics Tuebingen Variant Classification Criteria Version 2. Collection method: clinical testing. Allele origin: germline. Affected: yes. Observed: 1 variant allele.
Comment: MCM3AP: PM2, BP4

NM_003906.5(MCM3AP):c.5628C>G (p.Asn1876Lys)

Genes: MCM3AP (minichromosome maintenance complex component 3 associated protein; minus strand), MCM3AP-AS1 (MCM3AP antisense RNA 1; plus strand). Cytogenetic location: 21q22.3.
Variant type: single nucleotide variant.
Coding change: c.5628C>G on transcript NM_003906.5 (MANE Select); coding-DNA position 5628, C replaced by G.
Protein change: p.Asn1876Lys; replaces asparagine 1876 with lysine.
Molecular consequence: missense variant.
Genome position (GRCh38, 1-based): chr21:46,240,816, G>C on the plus strand (C>G on the coding strand, the complement: MCM3AP is on the minus strand). VCF-style: chr21-46240816-G-C. GRCh37 (hg19) VCF-style: chr21-47660730-G-C.
Other names: short protein forms N1876K.
Identifiers: ClinVar variation 3027160 (VCV003027160.22), dbSNP rs757853669, ClinGen allele CA410536145.